The following is an entry in ClinVar:

ClinVar aggregate classification (germline): Uncertain significance. Review status: criteria provided, multiple submitters, no conflicts (2 of 4 stars). 3 submissions from 3 submitters: Uncertain significance (3). Last evaluated 2025-07-06.

Conditions:
Inborn genetic diseases. Identifiers: MedGen C0950123, MeSH D030342.
Kostmann syndrome (SCN3). Also called: KOSTMANN DISEASE; Autosomal recessive severe congenital neutropenia type 3. Identifiers: Orphanet 99749, MedGen C5235141, MONDO:0012548, OMIM 610738.

Allele frequency attached by ClinVar (database versions not stated): ExAC 0.00002; gnomAD exomes 0.00003; gnomAD 0.00004 and 0.00005; ESP Exome Variant Server 0.00008; TOPMed 0.00013; 1000 Genomes Project 0.00020; 1000 Genomes Project 30x 0.00031.
gnomAD v4.1: 27 of 1,614,144 alleles (0.0017%); highest among the groups gnomAD compares: African/African-American, 0.023%; no homozygotes.

Submissions (3):

Labcorp Genetics (formerly Invitae), Labcorp
Classification: Uncertain significance for Kostmann syndrome. Last evaluated: 2025-07-06. Review status: criteria provided, single submitter. Criteria: Invitae Variant Classification Sherloc (09022015). Collection method: clinical testing. Allele origin: germline.
Comment: This sequence change replaces arginine, which is basic and polar, with histidine, which is basic and polar, at codon 74 of the HAX1 protein (p.Arg74His). This variant is present in population databases (rs151225652, gnomAD 0.04%). This variant has not been reported in the literature in individuals affected with HAX1-related conditions. ClinVar contains an entry for this variant (Variation ID: 992539). Invitae Evidence Modeling of protein sequence and biophysical properties (such as structural, functional, and spatial information, amino acid conservation, physicochemical variation, residue mobility, and thermodynamic stability) indicates that this missense variant is not expected to disrupt HAX1 protein function with a negative predictive value of 80%. In summary, the available evidence is currently insufficient to determine the role of this variant in disease. Therefore, it has been classified as a Variant of Uncertain Significance.

Ambry Genetics
Classification: Uncertain significance for Inborn genetic diseases. Last evaluated: 2024-12-02. Review status: criteria provided, single submitter. Criteria: Ambry Variant Classification Scheme 2023. Collection method: clinical testing. Allele origin: germline.
Comment: The p.R74H variant (also known as c.221G>A), located in coding exon 2 of the HAX1 gene, results from a G to A substitution at nucleotide position 221. The arginine at codon 74 is replaced by histidine, an amino acid with highly similar properties. This amino acid position is conserved. In addition, this alteration is predicted to be tolerated by in silico analysis. Based on the available evidence, the clinical significance of this variant remains unclear.

Center for Genomics, Ann and Robert H. Lurie Children's Hospital of Chicago
Classification: Uncertain significance for Kostmann syndrome. Last evaluated: 2021-03-30. Review status: criteria provided, single submitter. Criteria: ACMG Guidelines, 2015. Collection method: clinical testing. Allele origin: germline.
Comment: HAX1 NM_006118.3 exon 2 p.Arg74His (c.221G>A): This variant has not been reported in the literature but is present in 0.04% (10/24972) of African alleles in the Genome Aggregation Database. Evolutionary conservation and computational predictive tools suggest that this variant may not impact the protein. In summary, data on this variant is insufficient for disease classification. Therefore, the clinical significance of this variant is uncertain.

NM_006118.4(HAX1):c.221G>A (p.Arg74His)

Gene: HAX1 (HCLS1 associated protein X-1; plus strand). Cytogenetic location: 1q21.3.
Variant type: single nucleotide variant.
Coding change: c.221G>A on transcript NM_006118.4 (MANE Select); coding-DNA position 221, G replaced by A.
Protein change: p.Arg74His; replaces arginine 74 with histidine.
Molecular consequence: missense variant.
Genome position (GRCh38, 1-based): chr1:154,273,503, G>A. VCF-style: chr1-154273503-G-A. GRCh37 (hg19) VCF-style: chr1-154245979-G-A.
Other names: c.221G>A (NM_006118.3); c.77G>A, p.Arg26His (NM_001018837.2); short protein forms R26H, R74H.
Identifiers: ClinVar variation 992539 (VCV000992539.4), dbSNP rs151225652, ClinGen allele CA1127291.